The following is an entry in ClinVar:

NM_181078.3(IL21R):c.191C>T (p.Ser64Phe)

Gene: IL21R (interleukin 21 receptor; plus strand). Cytogenetic location: 16p12.1.
Variant type: single nucleotide variant.
Coding change: c.191C>T on transcript NM_181078.3 (MANE Select); coding-DNA position 191, C replaced by T.
Protein change: p.Ser64Phe; replaces serine 64 with phenylalanine.
Molecular consequence: missense variant.
Genome position (GRCh38, 1-based): chr16:27,437,526, C>T. VCF-style: chr16-27437526-C-T. GRCh37 (hg19) VCF-style: chr16-27448847-C-T.
Other names: c.191C>T, p.Ser64Phe (NM_021798.4); c.257C>T, p.Ser86Phe (NM_181079.5); short protein forms S64F, S86F.
Identifiers: ClinVar variation 1010685 (VCV001010685.9), dbSNP rs758877703, ClinGen allele CA7974915.

ClinVar aggregate classification (germline): Uncertain significance (1 of 4 stars; one submission).

Conditions:
Cryptosporidiosis-chronic cholangitis-liver disease syndrome. Also called: Immunodeficiency type 56; IL21R immunodeficiency. Identifiers: Orphanet 357329, MedGen C3554687, MONDO:0014082, OMIM 615207.

Allele frequency attached by ClinVar (database versions not stated): ExAC 0.00001; gnomAD exomes 0.00001; TOPMed 0.00001.
gnomAD v4.1: 3 of 1,614,170 alleles (0.00019%); highest among the groups gnomAD compares: Admixed American, 0.005%; no homozygotes.

Submission:

Labcorp Genetics (formerly Invitae), Labcorp
Classification: Uncertain significance for Cryptosporidiosis-chronic cholangitis-liver disease syndrome. Last evaluated: 2020-05-03. Review status: criteria provided, single submitter. Criteria: Invitae Variant Classification Sherloc (09022015). Collection method: clinical testing. Allele origin: germline.
Comment: This sequence change replaces serine with phenylalanine at codon 64 of the IL21R protein (p.Ser64Phe). The serine residue is moderately conserved and there is a large physicochemical difference between serine and phenylalanine. This variant is present in population databases (rs758877703, ExAC 0.009%). This variant has not been reported in the literature in individuals with IL21R-related conditions. Algorithms developed to predict the effect of missense changes on protein structure and function output the following: SIFT: "Tolerated"; PolyPhen-2: "Benign"; Align-GVGD: "Class C0". The phenylalanine amino acid residue is found in multiple mammalian species, suggesting that this missense change does not adversely affect protein function. These predictions have not been confirmed by published functional studies and their clinical significance is uncertain. In summary, the available evidence is currently insufficient to determine the role of this variant in disease. Therefore, it has been classified as a Variant of Uncertain Significance.